The following is an entry in ClinVar:

ClinVar aggregate classification (germline): Uncertain significance (1 of 4 stars; one submission).

Conditions:
MBL2-related disorder. Also called: MBL2-related condition.

Submission:

PreventionGenetics, part of Exact Sciences
Classification: Uncertain significance for MBL2-related condition. Last evaluated: 2025-09-26. Review status: criteria provided, single submitter. Criteria: ACMG Guidelines, 2015. Collection method: clinical testing. Allele origin: germline.
Comment: The MBL2 c.34_35delinsGG variant is predicted to result in an in-frame deletion and insertion. This variant has been reported in the heterozygous state in an individual with severe malaria; however this individual had high levels of mannose-binding lectin at admission and after one month (Boldt et al. 2006. PubMed ID: 16738667). This variant has not been reported in a large population database (gnomAD), indicating this variant is rare. At this time, the clinical significance of this variant is uncertain due to the absence of conclusive functional and genetic evidence.

NM_001378373.1(MBL2):c.34_35delinsGG (p.Leu12Gly)

Gene: MBL2 (mannose binding lectin 2; minus strand). Cytogenetic location: 10q21.1.
Variant type: Indel.
Coding change: c.34_35delinsGG on transcript NM_001378373.1 (MANE Select); coding-DNA positions 34 to 35, CT replaced by GG.
Protein change: p.Leu12Gly; replaces leucine 12 with glycine.
Molecular consequence: missense variant.
Genome position (GRCh38, 1-based): chr10:52,771,601-52,771,602, AG replaced by CC on the plus strand (CT replaced by GG on the coding strand, the reverse complement: MBL2 is on the minus strand). VCF-style: chr10-52771601-AG-CC. GRCh37 (hg19) VCF-style: chr10-54531361-AG-CC.
Other names: c.34_35delCTinsGG, p.Leu12Gly (NM_000242.2); c.34_35delinsGG, p.Leu12Gly (NM_000242.3, NM_001378374.1); short protein forms L12G.
Identifiers: ClinVar variation 4993152 (VCV004993152.1).